The following is an entry in ClinVar:

ClinVar aggregate classification (germline): Uncertain significance. Review status: criteria provided, multiple submitters, no conflicts (2 of 4 stars). 2 submissions from 2 submitters: Uncertain significance (2). Last evaluated 2025-03-07.

Conditions:
Intellectual developmental disorder with autism and speech delay. Also called: Autism 5; AUTISM-RELATED SPEECH DELAY; PHRASE SPEECH DELAY, AUTISM-RELATED; Autism, susceptibility to, 5; AUTS5. Identifiers: MedGen C1853755, MONDO:0011627, OMIM 606053.

Allele frequency attached by ClinVar (database versions not stated): ExAC 0.00001; gnomAD exomes 0.00002; gnomAD 0.00003; TOPMed 0.00005.
gnomAD v4.1: 45 of 1,613,898 alleles (0.0028%); highest among the groups gnomAD compares: South Asian, 0.0033%; no homozygotes.

Submissions (2):

Women's Health and Genetics/Laboratory Corporation of America, LabCorp
Classification: Uncertain significance. Last evaluated: 2025-03-07. Review status: criteria provided, single submitter. Criteria: LabCorp Variant Classification Summary - May 2015. Collection method: clinical testing. Allele origin: germline.
Comment: Variant summary: TBR1 c.164T>C (p.Ile55Thr) results in a non-conservative amino acid change in the encoded protein sequence. Three of five in-silico tools predict a benign effect of the variant on protein function. The variant allele was found at a frequency of 2.4e-05 in 251444 control chromosomes. The available data on variant occurrences in the general population are insufficient to allow any conclusion about variant significance. To our knowledge, no occurrence of c.164T>C in individuals affected with Autism 5 and no experimental evidence demonstrating its impact on protein function have been reported. ClinVar contains an entry for this variant (Variation ID: 2436983). Based on the evidence outlined above, the variant was classified as uncertain significance.

Revvity Omics, Revvity
Classification: Uncertain significance for Intellectual developmental disorder with autism and speech delay. Last evaluated: 2021-04-20. Review status: criteria provided, single submitter. Criteria: ACMG Guidelines, 2015. Collection method: clinical testing. Allele origin: germline.

NM_006593.4(TBR1):c.164T>C (p.Ile55Thr)

Gene: TBR1 (T-box brain transcription factor 1; plus strand). Cytogenetic location: 2q24.2.
Variant type: single nucleotide variant.
Coding change: c.164T>C on transcript NM_006593.4 (MANE Select); coding-DNA position 164, T replaced by C.
Protein change: p.Ile55Thr; replaces isoleucine 55 with threonine.
Molecular consequence: missense variant.
Genome position (GRCh38, 1-based): chr2:161,416,574, T>C. VCF-style: chr2-161416574-T-C. GRCh37 (hg19) VCF-style: chr2-162273085-T-C.
Other names: short protein forms I55T.
Identifiers: ClinVar variation 2436983 (VCV002436983.5), dbSNP rs201185594, ClinGen allele CA1930735.